The following is an entry in ClinVar:

ClinVar aggregate classification (germline): Uncertain significance (1 of 4 stars; one submission).

Allele frequency attached by ClinVar (database versions not stated): gnomAD 0.00001; TOPMed 0.00001; ExAC 0.00002.
gnomAD v4.1: 14 of 1,613,962 alleles (0.00087%); highest among the groups gnomAD compares: South Asian, 0.0011%; no homozygotes.

Submission:

Labcorp Genetics (formerly Invitae), Labcorp
Classification: Uncertain significance. Last evaluated: 2025-02-10. Review status: criteria provided, single submitter. Criteria: Invitae Variant Classification Sherloc (09022015). Collection method: clinical testing. Allele origin: germline.
Comment: This sequence change replaces tyrosine, which is neutral and polar, with cysteine, which is neutral and slightly polar, at codon 1920 of the CACNA1D protein (p.Tyr1920Cys). This variant is present in population databases (rs772551322, gnomAD 0.02%). This variant has not been reported in the literature in individuals affected with CACNA1D-related conditions. ClinVar contains an entry for this variant (Variation ID: 1404088). An algorithm developed to predict the effect of missense changes on protein structure and function (PolyPhen-2) suggests that this variant is likely to be disruptive. In summary, the available evidence is currently insufficient to determine the role of this variant in disease. Therefore, it has been classified as a Variant of Uncertain Significance.

NM_001128840.3(CACNA1D):c.5699A>G (p.Tyr1900Cys)

Gene: CACNA1D (calcium voltage-gated channel subunit alpha1 D; plus strand). Cytogenetic location: 3p21.1.
Variant type: single nucleotide variant.
Coding change: c.5699A>G on transcript NM_001128840.3 (MANE Select); coding-DNA position 5699, A replaced by G.
Protein change: p.Tyr1900Cys; replaces tyrosine 1900 with cysteine.
Molecular consequence: missense variant.
Genome position (GRCh38, 1-based): chr3:53,805,096, A>G. VCF-style: chr3-53805096-A-G. GRCh37 (hg19) VCF-style: chr3-53839123-A-G.
Other names: c.5759A>G, p.Tyr1920Cys (NM_000720.4); c.5627A>G, p.Tyr1876Cys (NM_001128839.3); short protein forms Y1876C, Y1900C, Y1920C.
Identifiers: ClinVar variation 1404088 (VCV001404088.6), dbSNP rs772551322, ClinGen allele CA2455228.